The following is an entry in ClinVar:

NM_002838.5(PTPRC):c.646A>C (p.Thr216Pro)

Gene: PTPRC (protein tyrosine phosphatase receptor type C; plus strand). Cytogenetic location: 1q32.1.
Variant type: single nucleotide variant.
Coding change: c.646A>C on transcript NM_002838.5 (MANE Select); coding-DNA position 646, A replaced by C.
Protein change: p.Thr216Pro; replaces threonine 216 with proline.
Molecular consequence: missense variant.
Genome position (GRCh38, 1-based): chr1:198,703,360, A>C. VCF-style: chr1-198703360-A-C. GRCh37 (hg19) VCF-style: chr1-198672489-A-C.
Other names: c.163A>C, p.Thr55Pro (NM_080921.4); short protein forms T216P, T55P.
Identifiers: ClinVar variation 533070 (VCV000533070.18), dbSNP rs148561683, ClinGen allele CA1314554.

ClinVar aggregate classification (germline): Likely benign. Review status: criteria provided, multiple submitters, no conflicts (2 of 4 stars). 4 submissions from 4 submitters: Likely benign (3). 1 of the submissions does not count toward it. Last evaluated 2026-01-31.

Conditions:
PTPRC-related disorder. Also called: PTPRC-related condition.
Immunodeficiency 104. Also called: IMMUNODEFICIENCY 104, SEVERE COMBINED; Severe combined immunodeficiency, autosomal recessive, T cell-negative, B cell-positive, NK cell-positive; Severe Combined Immune Deficiency, Autosomal Recessive, TCell -Negative, B Cell-Positive, NK Cell-Positive, IL7R-Related; SCID, AUTOSOMAL RECESSIVE, T CELL-NEGATIVE, B CELL-POSITIVE, NK CELL-POSITIVE. Identifiers: MedGen C5676890, MONDO:0012163, OMIM 608971.

Allele frequency attached by ClinVar (database versions not stated): ESP Exome Variant Server 0.00015; TOPMed 0.00060; gnomAD 0.00076; 1000 Genomes Project 30x 0.00187; 1000 Genomes Project 0.00200.
gnomAD v4.1: 400 of 1,612,942 alleles (0.025%); highest among the groups gnomAD compares: East Asian, 0.38%; 9 homozygotes.

Submissions (4):

Labcorp Genetics (formerly Invitae), Labcorp
Classification: Likely benign for Immunodeficiency 104. Last evaluated: 2026-01-31. Review status: criteria provided, single submitter. Criteria: Invitae Variant Classification Sherloc (09022015). Collection method: clinical testing. Allele origin: germline.

Blueprint Genetics
Classification: Likely benign. Last evaluated: 2024-11-25. Review status: criteria provided, single submitter. Criteria: ACMG Guidelines, 2015. Collection method: clinical testing. Allele origin: germline.

GeneDx
Classification: Likely benign. Last evaluated: 2015-03-03. Review status: criteria provided, single submitter. Criteria: GeneDx Variant Classification Process June 2021. Collection method: clinical testing. Allele origin: germline. Affected: yes.

PreventionGenetics, part of Exact Sciences
Classification: Likely benign for PTPRC-related condition. Last evaluated: 2024-01-31. Review status: no assertion criteria provided. Collection method: clinical testing. Allele origin: germline. Not counted in ClinVar's aggregate classification.
Comment: This variant is classified as likely benign based on ACMG/AMP sequence variant interpretation guidelines (Richards et al. 2015 PMID: 25741868, with internal and published modifications).